The following is an entry in ClinVar:

NM_198334.3(GANAB):c.1834+6G>T

Gene: GANAB (glucosidase II alpha subunit; minus strand). Cytogenetic location: 11q12.3.
Variant type: single nucleotide variant.
Coding change: c.1834+6G>T on transcript NM_198334.3 (MANE Select); 6 bases into the intron after coding-DNA position 1834, G replaced by T.
Molecular consequence: intron variant.
Genome position (GRCh38, 1-based): chr11:62,629,582, C>A on the plus strand (G>T on the coding strand, the complement: GANAB is on the minus strand). VCF-style: chr11-62629582-C-A. GRCh37 (hg19) VCF-style: chr11-62397054-C-A.
Other names: c.1111+6G>T (NM_001329225.2, NM_001329224.2); c.1900+6G>T (NM_198335.4); c.1543+6G>T (NM_001329222.2, NM_001329223.2, NM_001278194.2); c.1492+6G>T (NM_001278193.2); c.1558+6G>T (NM_001278192.2).
Identifiers: ClinVar variation 4765185 (VCV004765185.1).

ClinVar aggregate classification (germline): Uncertain significance (1 of 4 stars; one submission).

gnomAD v4.1: 3 of 1,590,014 alleles (0.00019%); highest among the groups gnomAD compares: Non-Finnish European, 0.00026%; no homozygotes.

Submission:

Labcorp Genetics (formerly Invitae), Labcorp
Classification: Uncertain significance. Last evaluated: 2025-09-03. Review status: criteria provided, single submitter. Criteria: Invitae Variant Classification Sherloc (09022015). Collection method: clinical testing. Allele origin: germline.
Comment: This sequence change falls in intron 16 of the GANAB gene. It does not directly change the encoded amino acid sequence of the GANAB protein. It affects a nucleotide within the consensus splice site. This variant is not present in population databases (gnomAD no frequency). This variant has not been reported in the literature in individuals affected with GANAB-related conditions. Variants that disrupt the consensus splice site are a relatively common cause of aberrant splicing (PMID: 17576681, 9536098). Algorithms developed to predict the effect of sequence changes on RNA splicing suggest that this variant is not likely to affect RNA splicing. In summary, the available evidence is currently insufficient to determine the role of this variant in disease. Therefore, it has been classified as a Variant of Uncertain Significance.

Literature cited by the submitters: PubMed 17576681; PubMed 9536098.